The following is an entry in ClinVar:

NM_006231.4(POLE):c.6717G>T (p.Ala2239=)

Gene: POLE (DNA polymerase epsilon, catalytic subunit; minus strand). Cytogenetic location: 12q24.33.
Variant type: single nucleotide variant.
Coding change: c.6717G>T on transcript NM_006231.4 (MANE Select); coding-DNA position 6717, G replaced by T.
Protein change: p.Ala2239=; no amino-acid change (alanine 2239 retained).
Molecular consequence: synonymous variant.
Genome position (GRCh38, 1-based): chr12:132,624,935, C>A on the plus strand (G>T on the coding strand, the complement: POLE is on the minus strand). VCF-style: chr12-132624935-C-A. GRCh37 (hg19) VCF-style: chr12-133201521-C-A.
Other names: c.6717G>T (NM_006231.2).
Identifiers: ClinVar variation 3898166 (VCV003898166.8).
Genomic context (GRCh38, chr12:132,624,935, plus strand): 5'-CTGAGCCGAGGCAGATGAGGGAGAGCCCACCTGGGTGTGGATGGTGAGGGCGAAGTCTCC[C>A]GCGCAGCTGCAGTACACAGGCATGCTGGTCTCCTTCACCCCGCGGCACTTCAGGCAGACC-3'
Protein context (NP_006222.2, residues 2229-2249): ETSMPVYCSC[Ala2239=]GDFALTIHTQ

ClinVar aggregate classification (germline): Likely benign. Review status: criteria provided, multiple submitters, no conflicts (2 of 4 stars). 2 submissions from 2 submitters: Likely benign (2). Last evaluated 2025-09-01.

Conditions:
Hereditary cancer-predisposing syndrome. Also called: Neoplastic Syndromes, Hereditary; Tumor predisposition; Hereditary Cancer Syndrome; Hereditary neoplastic syndrome. Identifiers: Orphanet 140162, MedGen C0027672, MeSH D009386, MONDO:0015356.

Submissions (2):

Ambry Genetics
Classification: Likely benign for Hereditary cancer-predisposing syndrome. Last evaluated: 2025-09-01. Review status: criteria provided, single submitter. Criteria: Ambry Variant Classification Scheme 2023. Collection method: clinical testing. Allele origin: germline.

CeGaT Center for Human Genetics Tuebingen
Classification: Likely benign. Last evaluated: 2025-04-01. Review status: criteria provided, single submitter. Criteria: CeGaT Center For Human Genetics Tuebingen Variant Classification Criteria Version 2. Collection method: clinical testing. Allele origin: germline. Affected: yes. Observed: 1 variant allele.
Comment: POLE: PM2:Supporting, BP4, BP7